The following is an entry in ClinVar:

ClinVar aggregate classification (germline): Uncertain significance (1 of 4 stars; one submission).

Conditions:
Severe combined immunodeficiency due to CORO1A deficiency. Also called: IMMUNODEFICIENCY 8 WITH LYMPHOPROLIFERATION; Immunodeficiency 8. Identifiers: Orphanet 228003, MedGen C3809383, MONDO:0014168, OMIM 615401.

gnomAD v4.1: 1 of 1,614,162 alleles (0.000062%); highest among the groups gnomAD compares: Non-Finnish European, 0.000085%; no homozygotes.

Submission:

Labcorp Genetics (formerly Invitae), Labcorp
Classification: Uncertain significance for Severe combined immunodeficiency due to CORO1A deficiency. Last evaluated: 2025-06-29. Review status: criteria provided, single submitter. Criteria: Invitae Variant Classification Sherloc (09022015). Collection method: clinical testing. Allele origin: germline.
Comment: This sequence change replaces arginine, which is basic and polar, with cysteine, which is neutral and slightly polar, at codon 12 of the CORO1A protein (p.Arg12Cys). This variant is not present in population databases (gnomAD no frequency). This variant has not been reported in the literature in individuals affected with CORO1A-related conditions. Invitae Evidence Modeling of protein sequence and biophysical properties (such as structural, functional, and spatial information, amino acid conservation, physicochemical variation, residue mobility, and thermodynamic stability) indicates that this missense variant is expected to disrupt CORO1A protein function with a positive predictive value of 80%. This variant disrupts the p.Arg12 amino acid residue in CORO1A. Other variant(s) that disrupt this residue have been determined to be pathogenic (PMID: 25666293; Internal data). This suggests that this residue is clinically significant, and that variants that disrupt this residue are likely to be disease-causing. In summary, the available evidence is currently insufficient to determine the role of this variant in disease. Therefore, it has been classified as a Variant of Uncertain Significance.

Literature cited by the submitters: PubMed 25666293.

NM_007074.4(CORO1A):c.34C>T (p.Arg12Cys)

Gene: CORO1A (coronin 1A; plus strand). Cytogenetic location: 16p11.2.
Variant type: single nucleotide variant.
Coding change: c.34C>T on transcript NM_007074.4 (MANE Select); coding-DNA position 34, C replaced by T.
Protein change: p.Arg12Cys; replaces arginine 12 with cysteine.
Molecular consequence: missense variant.
Genome position (GRCh38, 1-based): chr16:30,185,243, C>T. VCF-style: chr16-30185243-C-T. GRCh37 (hg19) VCF-style: chr16-30196564-C-T.
Other names: c.34C>T, p.Arg12Cys (NM_001193333.3); short protein forms R12C.
Identifiers: ClinVar variation 4746115 (VCV004746115.1).